The following is an entry in ClinVar:

ClinVar aggregate classification (germline): Uncertain significance (1 of 4 stars; one submission).

Conditions:
Male infertility. Identifiers: MedGen C0021364, MeSH D007248, MONDO:0005372, HP:0003251.

Submission:

Optical Genome Mapping Laboratory, Clinical Institute of Genomic Medicine, University Medical Center Ljubljana
Classification: Uncertain significance for Male infertility. Last evaluated: 2025-09-19. Review status: criteria provided, single submitter. Criteria: ACMG/ClinGen CNV Guidelines, 2019. Collection method: research. Allele origin: unknown. Affected: yes.
Comment: Xq24 co-occuring with another variant Xq26.3

GRCh38/hg38 Xq26.3(chrX:135238491-135743639)x3

Genes: CT45A1 (cancer/testis antigen family 45 member A1; plus strand), ETDA (embryonic testis differentiation homolog A; plus strand), ETDC (embryonic testis differentiation homolog C; plus strand), INTS6L (integrator complex subunit 6 like; plus strand), INTS6L-AS1 (INTS6L antisense RNA 1; minus strand) and 18 more. Cytogenetic location: Xq26.3.
Variant type: copy number gain.
Change: copy number 3 of chrX:135,238,491-135,743,639 (505.1 kb, GRCh38 coordinates, 1-based), cytogenetic band Xq26.3.
Other names: ogm[GRCh38] Xq24(120,866,580_120,990,165)x10, and Xq26.3(135,238,491_135,743,639)x3 in a single patient.
Identifiers: ClinVar variation 4526307 (VCV004526307.1).